The following is an entry in ClinVar:

ClinVar aggregate classification (germline): Uncertain significance. Review status: criteria provided, multiple submitters, no conflicts (2 of 4 stars). 2 submissions from 2 submitters: Uncertain significance (2). Last evaluated 2023-10-20.

Conditions:
KBG syndrome (KBGS). Also called: ANKRD11-Related KBG Syndrome. Identifiers: Orphanet 2332, MedGen C0220687, MONDO:0007846, OMIM 148050.

gnomAD v4.1: 1 of 1,611,338 alleles (0.000062%); highest among the groups gnomAD compares: Non-Finnish European, 0.000085%; no homozygotes.

Submissions (2):

Blueprint Genetics
Classification: Uncertain significance. Last evaluated: 2023-10-20. Review status: criteria provided, single submitter. Criteria: ACMG Guidelines, 2015. Collection method: clinical testing. Allele origin: germline.

Centre for Mendelian Genomics, University Medical Centre Ljubljana
Classification: Uncertain significance for KBG syndrome. Last evaluated: 2020-03-17. Review status: criteria provided, single submitter. Criteria: ACMG Guidelines, 2015. Collection method: clinical testing. Allele origin: unknown. Affected: yes.
Comment: This variant was classified as: Uncertain significance. The available evidence on this variant's pathogenicity is insufficient or conflicting. The following ACMG criteria were applied in classifying this variant: PM2,BP4.

NM_013275.6(ANKRD11):c.6560C>G (p.Pro2187Arg)

Gene: ANKRD11 (ankyrin repeat domain 11; minus strand). Cytogenetic location: 16q24.3.
Variant type: single nucleotide variant.
Coding change: c.6560C>G on transcript NM_013275.6 (MANE Select); coding-DNA position 6560, C replaced by G.
Protein change: p.Pro2187Arg; replaces proline 2187 with arginine.
Molecular consequence: missense variant.
Genome position (GRCh38, 1-based): chr16:89,279,982, G>C on the plus strand (C>G on the coding strand, the complement: ANKRD11 is on the minus strand). VCF-style: chr16-89279982-G-C. GRCh37 (hg19) VCF-style: chr16-89346390-G-C.
Other names: c.6560C>G, p.Pro2187Arg (NM_001256182.2, NM_001256183.2); short protein forms P2187R.
Identifiers: ClinVar variation 931882 (VCV000931882.4), dbSNP rs202216051, ClinGen allele CA397150579.